The following is an entry in ClinVar:

ClinVar aggregate classification (germline): Likely benign (1 of 4 stars; one submission).

Submission:

CeGaT Center for Human Genetics Tuebingen
Classification: Likely benign. Last evaluated: 2026-02-01. Review status: criteria provided, single submitter. Criteria: CeGaT Center For Human Genetics Tuebingen Variant Classification Criteria Version 2. Collection method: clinical testing. Allele origin: germline. Affected: yes. Observed: 1 variant allele.
Comment: PIK3R2: BP4, BP7

NM_005027.4(PIK3R2):c.345C>T (p.Pro115=)

Gene: PIK3R2 (phosphoinositide-3-kinase regulatory subunit 2; plus strand). Cytogenetic location: 19p13.11.
Variant type: single nucleotide variant.
Coding change: c.345C>T on transcript NM_005027.4 (MANE Select); coding-DNA position 345, C replaced by T.
Protein change: p.Pro115=; no amino-acid change (proline 115 retained).
Molecular consequence: synonymous variant. On other transcripts: non-coding transcript variant (2).
Genome position (GRCh38, 1-based): chr19:18,160,493, C>T. VCF-style: chr19-18160493-C-T. GRCh37 (hg19) VCF-style: chr19-18271303-C-T.
Identifiers: ClinVar variation 4821507 (VCV004821507.4).
Genomic context (GRCh38, chr19:18,160,493, plus strand): 5'-ACCCCACCAACATGCAACCCCCCTGTTTCCCCCACCAGGCCTCACACTCCCCGACTTGCC[C>T]GAGCAGTTCTCCCCACCTGATGTGGCTCCCCCTCTTCTGGTGAAGCTTGTGGAGGCCATT-3'
Protein context (NP_005018.2, residues 105-125): PEPGLTLPDL[Pro115=]EQFSPPDVAP